The following is an entry in ClinVar:

ClinVar aggregate classification (germline): Uncertain significance (1 of 4 stars; one submission).

Submission:

GeneDx
Classification: Uncertain significance. Last evaluated: 2020-02-04. Review status: criteria provided, single submitter. Criteria: GeneDx Variant Classification Process June 2021. Collection method: clinical testing. Allele origin: germline. Affected: yes.
Comment: Frameshift variant predicted to result in protein truncation or nonsense mediated decay in a gene for which loss-of-function is not a known mechanism of disease; Has not been previously published as pathogenic or benign to our knowledge

NM_144596.4(TTC8):c.624+2779del

Gene: TTC8 (tetratricopeptide repeat domain 8; plus strand). Cytogenetic location: 14q31.3.
Variant type: Deletion.
Coding change: c.624+2779del on transcript NM_144596.4 (MANE Select); 2779 bases into the intron after coding-DNA position 624, one base deleted (G; older notation c.624+2779delG).
Molecular consequence: intron variant. On other transcripts: frameshift variant (1).
Genome position (GRCh38, 1-based): chr14:88,846,629, G deleted; the last of 2 consecutive G bases (chr14:88,846,628-88,846,629); deleting either gives the same sequence. VCF-style (leftmost placement, unchanged base first): chr14-88846627-TG-T. GRCh37 (hg19) VCF-style: chr14-89312971-TG-T.
Other names: c.626del, p.Gly209fs (NM_001288781.1); c.30+5072del (NM_001288782.1); c.594+2779del (NM_198309.3, NM_001366535.2); c.-153-219del (NM_001288783.1); c.504+2779del (NM_198310.3, NM_001366536.2); short protein forms G209fs.
Identifiers: ClinVar variation 1315300 (VCV001315300.2), dbSNP rs1290688703, ClinGen allele CA615696219.
Genomic context (GRCh38, chr14:88,846,627, plus strand): 5'-AGGTCATGGTGACAATGTTTTTTATTAATAGATTCATCTTGAAGATGTAGTTCTACATCT[TG>T]GAATTTACCCATTCTTATTGAGGAATAAAAATCACATTGAAAAAAATGTAAGATTTATTC-3'